The following is an entry in ClinVar:

ClinVar aggregate classification (germline): Benign/Likely benign. Review status: criteria provided, multiple submitters, no conflicts (2 of 4 stars). 8 submissions from 8 submitters: Benign (3); Likely benign (5). Last evaluated 2026-01-09.

Conditions:
Developmental and epileptic encephalopathy, 12 (DEE12). Identifiers: MedGen C3150988, MONDO:0013389, OMIM 613722.
Inborn genetic diseases. Identifiers: MedGen C0950123, MeSH D030342.
Microcephaly, seizures, and developmental delay. Identifiers: Orphanet 1934, MedGen C3150667, MONDO:0013254, OMIM 613402.

Allele frequency attached by ClinVar (database versions not stated): 1000 Genomes Project 0.00280; gnomAD 0.00003; TOPMed 0.00005; 1000 Genomes Project 30x 0.00250.
gnomAD v4.1: 839 of 1,547,574 alleles (0.054%); highest among the groups gnomAD compares: South Asian, 0.93%; 12 homozygotes.

Submissions (8):

Labcorp Genetics (formerly Invitae), Labcorp
Classification: Benign for Developmental and epileptic encephalopathy, 12. Last evaluated: 2026-01-09. Review status: criteria provided, single submitter. Criteria: Invitae Variant Classification Sherloc (09022015). Collection method: clinical testing. Allele origin: germline.

Blueprint Genetics
Classification: Likely benign. Last evaluated: 2024-11-25. Review status: criteria provided, single submitter. Criteria: ACMG Guidelines, 2015. Collection method: clinical testing. Allele origin: germline.

CeGaT Center for Human Genetics Tuebingen
Classification: Likely benign. Last evaluated: 2023-12-01. Review status: criteria provided, single submitter. Criteria: CeGaT Center For Human Genetics Tuebingen Variant Classification Criteria Version 2. Collection method: clinical testing. Allele origin: germline. Affected: yes. Observed: 2 variant alleles.
Comment: PNKP: BS1

Genetic Services Laboratory, University of Chicago
Classification: Benign. Last evaluated: 2021-11-16. Review status: criteria provided, single submitter. Criteria: ACMG Guidelines, 2015. Collection method: clinical testing. Allele origin: germline. Affected: no.

Ambry Genetics
Classification: Benign for Inborn genetic diseases. Last evaluated: 2019-03-18. Review status: criteria provided, single submitter. Criteria: Ambry Variant Classification Scheme 2023. Collection method: clinical testing. Allele origin: germline.

GeneDx
Classification: Likely benign. Last evaluated: 2019-02-18. Review status: criteria provided, single submitter. Criteria: GeneDx Variant Classification Process June 2021. Collection method: clinical testing. Allele origin: germline. Affected: yes.
Comment: This variant is associated with the following publications: (PMID: 27081543)

Illumina Laboratory Services, Illumina
Classification: Likely benign for Microcephaly, seizures, and developmental delay. Last evaluated: 2018-01-13. Review status: criteria provided, single submitter. Criteria: ICSL Variant Classification Criteria 13 December 2019. Collection method: clinical testing. Allele origin: germline.
Comment: This variant was observed in the ICSL laboratory as part of a predisposition screen in an ostensibly healthy population. It had not been previously curated by ICSL or reported in the Human Gene Mutation Database (HGMD: prior to June 1st, 2018), and was therefore a candidate for classification through an automated scoring system. Utilizing variant allele frequency, disease prevalence and penetrance estimates, and inheritance mode, an automated score was calculated to assess if this variant is too frequent to cause the disease. Based on the score and internal cut-off values, a variant classified as likely benign is not then subjected to further curation. The score for this variant resulted in a classification of likely benign for this disease.

Eurofins Ntd Llc (ga)
Classification: Likely benign. Last evaluated: 2018-01-10. Review status: criteria provided, single submitter. Criteria: EGL Classification Definitions 2015. Collection method: clinical testing. Allele origin: germline. Observed: 1 variant allele, 1 heterozygote.

NM_007254.4(PNKP):c.1322C>G (p.Ala441Gly)

Gene: PNKP (polynucleotide kinase 3'-phosphatase; minus strand). Cytogenetic location: 19q13.33.
Variant type: single nucleotide variant.
Coding change: c.1322C>G on transcript NM_007254.4 (MANE Select); coding-DNA position 1322, C replaced by G.
Protein change: p.Ala441Gly; replaces alanine 441 with glycine.
Molecular consequence: missense variant.
Genome position (GRCh38, 1-based): chr19:49,861,672, G>C on the plus strand (C>G on the coding strand, the complement: PNKP is on the minus strand). VCF-style: chr19-49861672-G-C. GRCh37 (hg19) VCF-style: chr19-50364929-G-C.
Other names: p.A441G:GCG>GGG; short protein forms A441G.
Identifiers: ClinVar variation 206412 (VCV000206412.51), dbSNP rs549000007, ClinGen allele CA316501.